The following is an entry in ClinVar:

ClinVar aggregate classification (germline): Conflicting classifications of pathogenicity. Review status: criteria provided, conflicting classifications (1 of 4 stars). 3 submissions from 3 submitters: Uncertain significance (2); Likely benign (1). Last evaluated 2025-03-22.

Conditions:
Hereditary breast ovarian cancer syndrome. Also called: Hereditary breast and ovarian cancer; Breast and ovarian cancer; Hereditary breast and/or ovarian cancer syndrome; Hereditary breast and ovarian cancer syndrome; BRCA1- and BRCA2-Associated Hereditary Breast and Ovarian Cancer; Hereditary breast and ovarian cancer syndrome (HBOC). Identifiers: Orphanet 145, MedGen C0677776, MeSH D061325, MONDO:0003582. Disease mechanism: loss of function.
Hereditary cancer-predisposing syndrome. Also called: Tumor predisposition; Hereditary Cancer Syndrome; Neoplastic Syndromes, Hereditary; Hereditary neoplastic syndrome. Identifiers: Orphanet 140162, MedGen C0027672, MeSH D009386, MONDO:0015356.

Submissions (3):

Ambry Genetics
Classification: Uncertain significance for Hereditary cancer-predisposing syndrome. Last evaluated: 2025-03-22. Review status: criteria provided, single submitter. Criteria: Ambry Variant Classification Scheme 2023. Collection method: clinical testing. Allele origin: germline.
Comment: The p.I1061T variant (also known as c.3182T>C), located in coding exon 9 of the BRCA1 gene, results from a T to C substitution at nucleotide position 3182. The isoleucine at codon 1061 is replaced by threonine, an amino acid with similar properties. This amino acid position is poorly conserved in available vertebrate species. In addition, the in silico prediction for this alteration is inconclusive. Since supporting evidence is limited at this time, the clinical significance of this alteration remains unclear.

University of Washington Department of Laboratory Medicine, University of Washington
Classification: Likely benign for Hereditary cancer-predisposing syndrome. Last evaluated: 2023-03-23. Review status: criteria provided, single submitter. Criteria: Dines et al. (Genet Med. 2020). Collection method: curation. Allele origin: germline.
Comment: Missense variant in a coldspot region where missense variants are very unlikely to be pathogenic (PMID:31911673).

BRCA1 coldspot (exon 11 using historical exon numbering). Reclassification based on statistical prior probability

Labcorp Genetics (formerly Invitae), Labcorp
Classification: Uncertain significance for Hereditary breast ovarian cancer syndrome. Last evaluated: 2021-12-02. Review status: criteria provided, single submitter. Criteria: Invitae Variant Classification Sherloc (09022015). Collection method: clinical testing. Allele origin: germline.
Comment: In summary, the available evidence is currently insufficient to determine the role of this variant in disease. Therefore, it has been classified as a Variant of Uncertain Significance. Advanced modeling of protein sequence and biophysical properties (such as structural, functional, and spatial information, amino acid conservation, physicochemical variation, residue mobility, and thermodynamic stability) performed at Invitae indicates that this missense variant is not expected to disrupt BRCA1 protein function. ClinVar contains an entry for this variant (Variation ID: 823111). This variant has not been reported in the literature in individuals affected with BRCA1-related conditions. This variant is not present in population databases (gnomAD no frequency). This sequence change replaces isoleucine, which is neutral and non-polar, with threonine, which is neutral and polar, at codon 1061 of the BRCA1 protein (p.Ile1061Thr).

NM_007294.4(BRCA1):c.3182T>C (p.Ile1061Thr)

Gene: BRCA1 (BRCA1 DNA repair associated; minus strand). Cytogenetic location: 17q21.31.
Variant type: single nucleotide variant.
Coding change: c.3182T>C on transcript NM_007294.4 (MANE Select); coding-DNA position 3182, T replaced by C.
Protein change: p.Ile1061Thr; replaces isoleucine 1061 with threonine.
Molecular consequence: missense variant. On other transcripts: intron variant (137).
Genome position (GRCh38, 1-based): chr17:43,092,349, A>G on the plus strand (T>C on the coding strand, the complement: BRCA1 is on the minus strand). VCF-style: chr17-43092349-A-G. GRCh37 (hg19) VCF-style: chr17-41244366-A-G.
Other names: c.2969T>C, p.Ile990Thr (NM_001407571.1, NM_001407853.1, NM_001407894.1 and 9 more transcripts); c.3182T>C, p.Ile1061Thr (NM_001407581.1, NM_001407582.1, NM_001407583.1 and 30 more transcripts); c.3179T>C, p.Ile1060Thr (NM_001407587.1, NM_001407590.1, NM_001407591.1 and 22 more transcripts); c.3173T>C, p.Ile1058Thr (NM_001407646.1, NM_001407647.1); c.3059T>C, p.Ile1020Thr (NM_001407648.1, NM_001407664.1, NM_001407665.1 and 19 more transcripts); c.3056T>C, p.Ile1019Thr (NM_001407649.1, NM_001407670.1, NM_001407671.1 and 11 more transcripts); c.3104T>C, p.Ile1035Thr (NM_001407653.1, NM_001407654.1, NM_001407655.1 and 4 more transcripts); c.3101T>C, p.Ile1034Thr (NM_001407659.1, NM_001407660.1, NM_001407661.1 and 1 more transcripts); and 41 more; short protein forms I1061T, I1014T, I1013T, I933T, I1019T, I1020T, I934T, I949T.
Identifiers: ClinVar variation 823111 (VCV000823111.13), dbSNP rs1567792602, ClinGen allele CA10595622.
Genomic context (GRCh38, chr17:43,092,349, plus strand): 5'-TTCAATTTTGGCCCTCTGTTTCTACCTAGTTCTGCTTGAATGTTTTCATCACTGGAACCT[A>G]TTTCATTAATACTGGAGCCCACTTCATTAGTACTGGAACCTACTTCATTAATATTGCTTG-3'
Protein context (NP_009225.1, residues 1051-1071): TNEVGSSINE[Ile1061Thr]GSSDENIQAE